The following is an entry in ClinVar:

ClinVar aggregate classification (germline): Uncertain significance (1 of 4 stars; one submission).

Allele frequency attached by ClinVar (database versions not stated): gnomAD 0.00003; TOPMed 0.00003.
gnomAD v4.1: 7 of 1,614,076 alleles (0.00043%); highest among the groups gnomAD compares: African/African-American, 0.0093%; no homozygotes.

Submission:

Labcorp Genetics (formerly Invitae), Labcorp
Classification: Uncertain significance. Last evaluated: 2025-06-23. Review status: criteria provided, single submitter. Criteria: Invitae Variant Classification Sherloc (09022015). Collection method: clinical testing. Allele origin: germline.
Comment: This sequence change replaces arginine, which is basic and polar, with glycine, which is neutral and non-polar, at codon 102 of the MAP3K8 protein (p.Arg102Gly). This variant is present in population databases (no rsID available, gnomAD 0.01%). This variant has not been reported in the literature in individuals affected with MAP3K8-related conditions. ClinVar contains an entry for this variant (Variation ID: 1913667). An algorithm developed to predict the effect of missense changes on protein structure and function outputs the following: PolyPhen-2: "Benign". The glycine amino acid residue is found in multiple mammalian species, which suggests that this missense change does not adversely affect protein function. In summary, the available evidence is currently insufficient to determine the role of this variant in disease. Therefore, it has been classified as a Variant of Uncertain Significance.

NM_005204.4(MAP3K8):c.304C>G (p.Arg102Gly)

Gene: MAP3K8 (mitogen-activated protein kinase kinase kinase 8; plus strand). Cytogenetic location: 10p11.23.
Variant type: single nucleotide variant.
Coding change: c.304C>G on transcript NM_005204.4 (MANE Select); coding-DNA position 304, C replaced by G.
Protein change: p.Arg102Gly; replaces arginine 102 with glycine.
Molecular consequence: missense variant.
Genome position (GRCh38, 1-based): chr10:30,439,242, C>G. VCF-style: chr10-30439242-C-G. GRCh37 (hg19) VCF-style: chr10-30728171-C-G.
Other names: c.304C>G, p.Arg102Gly (NM_001244134.1, NM_001320961.2); short protein forms R102G.
Identifiers: ClinVar variation 1913667 (VCV001913667.5), dbSNP rs938853569, ClinGen allele CA205307288.